The following is an entry in ClinVar:

ClinVar aggregate classification (germline): Conflicting classifications of pathogenicity. Review status: criteria provided, conflicting classifications (1 of 4 stars). 14 submissions from 14 submitters: Uncertain significance (10); Likely benign (4). Last evaluated 2026-06-05.

Conditions:
PMS2-related disorder. Also called: PMS2-related condition.
Hereditary nonpolyposis colorectal neoplasms. Identifiers: MedGen C0009405, MeSH D003123.
Breast and/or ovarian cancer. Identifiers: MedGen CN221562.
Hereditary cancer-predisposing syndrome. Also called: Neoplastic Syndromes, Hereditary; Tumor predisposition; Hereditary Cancer Syndrome; Hereditary neoplastic syndrome. Identifiers: Orphanet 140162, MedGen C0027672, MeSH D009386, MONDO:0015356.
Lynch syndrome. Identifiers: Orphanet 144, MedGen C4552100, MONDO:0005835. Disease mechanism: loss of function.
Lynch syndrome 4 (LYNCH4). Also called: Colorectal cancer, hereditary nonpolyposis, type 4; Hereditary non-polyposis colorectal cancer, type 4. Identifiers: Orphanet 144, MedGen C1838333, MONDO:0013699, OMIM 614337. Disease mechanism: loss of function.

Allele frequency attached by ClinVar (database versions not stated): gnomAD 0.00001; ExAC 0.00002; gnomAD exomes 0.00002 and 0.00011; TOPMed 0.00002; ESP Exome Variant Server 0.00008.
gnomAD v4.1: 157 of 1,614,034 alleles (0.0097%); highest among the groups gnomAD compares: Non-Finnish European, 0.013%; no homozygotes.

Submissions (14):

Women's Health and Genetics/Laboratory Corporation of America, LabCorp
Classification: Likely benign. Last evaluated: 2026-06-05. Review status: criteria provided, single submitter. Criteria: LabCorp Variant Classification Summary - May 2015. Collection method: clinical testing. Allele origin: germline.
Comment: Variant summary: PMS2 c.1420G>T (p.Ala474Ser) results in a conservative amino acid change in the encoded protein sequence. Algorithms developed to predict the effect of missense changes on protein structure and function all suggest that this variant is likely to be tolerated. The variant allele was found at a frequency of 9.7e-05 in 1614034 control chromosomes, predominantly at a frequency of 0.00013 within the Non-Finnish European subpopulation in the gnomAD database. The observed variant frequency within Non-Finnish European control individuals in the gnomAD database exceeds the estimated maximal expected allele frequency for disease-causing variants in PMS2. c.1420G>T has been observed in individuals affected with Lynch Syndrome, Breast cancer or Osteosarcoma as well as in healthy controls (Yurgelun_2015, Zhang_2015, Blount_2018, Dorling_2021). To our knowledge, no experimental evidence demonstrating an impact on protein function has been reported. The following publications have been ascertained in the context of this evaluation (PMID: 29286535, 33471991, 25980754, 26580448). ClinVar contains an entry for this variant (Variation ID: 135937). Based on the evidence outlined above, the variant was classified as likely benign.

Labcorp Genetics (formerly Invitae), Labcorp
Classification: Likely benign for Hereditary nonpolyposis colorectal neoplasms. Last evaluated: 2026-01-25. Review status: criteria provided, single submitter. Criteria: Invitae Variant Classification Sherloc (09022015). Collection method: clinical testing. Allele origin: germline.

Color Diagnostics, LLC DBA Color Health
Classification: Uncertain significance for Hereditary cancer-predisposing syndrome. Last evaluated: 2025-11-06. Review status: criteria provided, single submitter. Criteria: ACMG Guidelines, 2015. Collection method: clinical testing. Allele origin: germline.
Comment: This missense variant replaces alanine with serine at codon 474 of the PMS2 protein. Computational prediction suggests that this variant may not impact protein structure and function. To our knowledge, functional studies have not been reported for this variant. This variant has been reported in individuals affected with Lynch syndrome-associated cancer and/or polyps (PMID: 25980754), breast cancer (PMID: 29286535, 33471991), osteosarcoma (PMID: 26580448), as well as in healthy control individuals (PMID: 33471991). This variant has been identified in 157/1614034 chromosomes in the general population by the Genome Aggregation Database (gnomAD). The available evidence is insufficient to determine the role of this variant in disease conclusively. Therefore, this variant is classified as a Variant of Uncertain Significance.

Quest Diagnostics Nichols Institute San Juan Capistrano
Classification: Uncertain significance. Last evaluated: 2025-09-05. Review status: criteria provided, single submitter. Criteria: Quest Diagnostics criteria. Collection method: clinical testing. Allele origin: unknown.
Comment: The PMS2 c.1420G>T (p.Ala474Ser) variant has been reported in the published literature in individuals with Lynch syndrome-associated polyps and/or cancer (PMID: 25980754 (2015)), osteosarcoma (PMID: 26580448 (2015)), breast cancer (PMIDs: 29286535 (2018), 33471991 (2021)), as well as in reportedly unaffected individuals (PMID: 33471991 (2021), see also LOVD). The frequency of this variant in the general population (Genome Aggregation Database) is uninformative in the assessment of its pathogenicity. Analysis of this variant using bioinformatics tools for the prediction of the effect of amino acid changes on protein structure and function yielded predictions that this variant is benign. Based on the available information, we are unable to determine the clinical significance of this variant.

PreventionGenetics, part of Exact Sciences
Classification: Uncertain significance for PMS2-related condition. Last evaluated: 2025-05-12. Review status: criteria provided, single submitter. Criteria: ACMG Guidelines, 2015. Collection method: clinical testing. Allele origin: germline.
Comment: The PMS2 c.1420G>T variant is predicted to result in the amino acid substitution p.Ala474Ser. This variant has been observed in individuals with Lynch syndrome (Supplemental Table 2, Yurgelun et al. 2015. PubMed ID: 25980754; Blount et al. 2018. PubMed ID: 29286535) and in individuals with breast cancer as well as controls (Breast Cancer Association Consortium. 2021. PubMed ID: 33471991). This variant was also observed in a pediatric patient with osteosarcoma, but was classified as benign (Table S4a, Zhang et al. 2015. PMID: 26580448). This variant has conflicting interpretations regarding its pathogenicity in ClinVar, ranging from likely benign to uncertain. This variant is reported in 0.0053% of alleles in individuals of European (non-Finnish) descent in gnomAD. At this time, the clinical significance of this variant is uncertain due to the absence of conclusive functional and genetic evidence.

GeneDx
Classification: Uncertain significance. Last evaluated: 2025-04-16. Review status: criteria provided, single submitter. Criteria: GeneDx Variant Classification Process June 2021. Collection method: clinical testing. Allele origin: germline. Affected: yes.
Comment: In silico analysis indicates that this missense variant does not alter protein structure/function; Observed in individuals with a history of a Lynch syndrome-associated tumor and/or polyps, breast cancer, and other cancers (PMID: 29286535, 33471991, 25980754, 26580448); This variant is associated with the following publications: (PMID: 25980754, 26580448, 29286535, 33471991)

Department of Pathology and Laboratory Medicine, Sinai Health System
Classification: Likely benign for Lynch syndrome. Last evaluated: 2024-11-20. Review status: criteria provided, single submitter. Criteria: ACMG Guidelines, 2015. Collection method: clinical testing. Allele origin: germline. Affected: yes.

Molecular Pathology, Peter Maccallum Cancer Centre
Classification: Uncertain significance for Lynch syndrome 4. Last evaluated: 2024-11-11. Review status: criteria provided, single submitter. Criteria: ACMG Guidelines, 2015. Collection method: clinical testing. Allele origin: germline. Inheritance: Autosomal dominant inheritance.

Blueprint Genetics
Classification: Uncertain significance. Last evaluated: 2024-06-29. Review status: criteria provided, single submitter. Criteria: ACMG Guidelines, 2015. Collection method: clinical testing. Allele origin: germline.

All of Us Research Program, National Institutes of Health
Classification: Uncertain significance for Lynch syndrome. Last evaluated: 2024-02-05. Review status: criteria provided, single submitter. Criteria: ACMG Guidelines, 2015. Collection method: clinical testing. Allele origin: germline. Inheritance: Autosomal dominant inheritance. Observed: 11 variant alleles, 11 heterozygotes.
Comment: This missense variant replaces alanine with serine at codon 474 of the PMS2 protein. Computational prediction suggests that this variant may not impact protein structure and function (internally defined REVEL score threshold <= 0.5, PMID: 27666373). To our knowledge, functional studies have not been performed for this variant. This variant has been reported in individuals affected with Lynch syndrome-associated cancer and/or polyps (PMID: 25980754), breast cancer (PMID: 29286535, 33471991), osteosarcoma (PMID: 26580448), as well as in healthy control individuals (PMID: 33471991). This variant has also been identified in 6/251492 chromosomes in the general population by the Genome Aggregation Database (gnomAD). The available evidence is insufficient to determine the role of this variant in disease conclusively. Therefore, this variant is classified as a Variant of Uncertain Significance.

This study involves interpretation of variants in research participants for the purpose of population health screening. Participant phenotype was not available at the time of variant classification. Additional details can be found in publication PMID: 35346344, PMCID: PMC8962531

St. Jude Molecular Pathology, St. Jude Children's Research Hospital
Classification: Uncertain significance for Lynch syndrome 4. Last evaluated: 2021-09-09. Review status: criteria provided, single submitter. Criteria: St. Jude Assertion Criteria 2020. Collection method: clinical testing. Allele origin: germline.
Comment: The PMS2 c.1420G>T (p.Ala474Ser) missense change has a maximum subpopulation frequency of 0.0053% in gnomAD v2.1.1. This variant is located in exon 11 of the PMS2 gene and data in this region are not considered reliable due to high pseudogene homology. This variant has been reported in an individual with a history of Lynch syndrome-associated cancer and/or polyps (PMID: 25980754) and in an individual with a breast cancer and a family history of breast and other cancers (PMID: 29286535). Five of six in silico tools predict a benign effect of this variant on protein function (BP4), but to our knowledge these predictions have not been confirmed by functional assays. In summary, this variant meets criteria to be classified as of uncertain significance based on the ACMG/AMP criteria: BP4. Due to high pseudogene homology in this region, variant confirmation by an orthogonal method (e.g. long range PCR) is recommended.

Sema4
Classification: Uncertain significance for Hereditary cancer-predisposing syndrome. Last evaluated: 2021-07-20. Review status: criteria provided, single submitter. Criteria: Sema4 Curation Guidelines. Collection method: curation. Allele origin: germline.
Comment: The PMS2 c.1420G>T (p.A474S) variant has been reported in individuals with Lynch syndrome-associated cancer and/or colorectal polyps, breast cancer, and osteosarcoma (PMID: 25980754, 29286535, 26580448). It was observed in 6/113768 chromosomes of the Non-Finnish European subpopulation in the large and broad cohorts of the Genome Aggregation Database (PMID: 32461654). The variant has been reported in ClinVar (Variation ID 135937). Computational analyses and evolutionary conservation data do not provide strong support for or against an impact to the protein, however these predictions have not been confirmed by published functional studies. The evidence is insufficient to meet ACMG/AMP criteria for classifying the variant as benign or pathogenic. Thus, the clinical significance of this variant is currently uncertain.

CHEO Genetics Diagnostic Laboratory, Children's Hospital of Eastern Ontario
Classification: Uncertain significance for Breast and/or ovarian cancer. Last evaluated: 2021-06-14. Review status: criteria provided, single submitter. Criteria: ACMG Guidelines, 2015. Collection method: clinical testing. Allele origin: germline.

Ambry Genetics
Classification: Likely benign for Hereditary cancer-predisposing syndrome. Last evaluated: 2018-06-27. Review status: criteria provided, single submitter. Criteria: Ambry Variant Classification Scheme 2023. Collection method: clinical testing. Allele origin: germline.

Literature cited by the submitters: PubMed 25980754 (cited by 6 submitters); PubMed 26580448 (cited by 6 submitters); PubMed 33471991 (cited by 5 submitters); PubMed 29286535 (cited by 5 submitters).

NM_000535.7(PMS2):c.1420G>T (p.Ala474Ser)

Gene: PMS2 (PMS1 homolog 2, mismatch repair system component; minus strand). Cytogenetic location: 7p22.1.
Variant type: single nucleotide variant.
Coding change: c.1420G>T on transcript NM_000535.7 (MANE Select); coding-DNA position 1420, G replaced by T.
Protein change: p.Ala474Ser; replaces alanine 474 with serine.
Molecular consequence: missense variant. On other transcripts: non-coding transcript variant (1).
Genome position (GRCh38, 1-based): chr7:5,987,345, C>A on the plus strand (G>T on the coding strand, the complement: PMS2 is on the minus strand). VCF-style: chr7-5987345-C-A. GRCh37 (hg19) VCF-style: chr7-6026976-C-A.
Other names: c.1015G>T, p.Ala339Ser (NM_001322003.2, NM_001322004.2, NM_001322005.2 and 1 more transcripts); c.1264G>T, p.Ala422Ser (NM_001322006.2); c.1102G>T, p.Ala368Ser (NM_001322007.2, NM_001322008.2); c.859G>T, p.Ala287Ser (NM_001322010.2); c.487G>T, p.Ala163Ser (NM_001322011.2, NM_001322012.2); c.847G>T, p.Ala283Ser (NM_001322013.2); c.1420G>T, p.Ala474Ser (NM_001322014.2); c.1111G>T, p.Ala371Ser (NM_001322015.2); short protein forms A474S, A287S, A163S, A283S, A339S, A368S, A371S, A422S.
Identifiers: ClinVar variation 135937 (VCV000135937.43), dbSNP rs373114291, ClinGen allele CA009651.